The following is an entry in ClinVar:

ClinVar aggregate classification (germline): Benign (0 of 4 stars; one submission).

Conditions:
ACACB-related disorder. Also called: ACACB-related condition.

Allele frequency attached by ClinVar (database versions not stated): gnomAD exomes 0.00029; ExAC 0.00058; ESP Exome Variant Server 0.00192; 1000 Genomes Project 0.00200; 1000 Genomes Project 30x 0.00219; gnomAD 0.00224; TOPMed 0.00227.
gnomAD v4.1: 766 of 1,613,316 alleles (0.047%); highest among the groups gnomAD compares: African/African-American, 0.72%; 1 homozygote.

Submission:

PreventionGenetics, part of Exact Sciences
Classification: Benign for ACACB-related condition. Last evaluated: 2019-06-17. Review status: no assertion criteria provided. Collection method: clinical testing. Allele origin: germline.
Comment: This variant is classified as benign based on ACMG/AMP sequence variant interpretation guidelines (Richards et al. 2015 PMID: 25741868, with internal and published modifications).

NM_001093.4(ACACB):c.5986G>A (p.Val1996Met)

Gene: ACACB (acetyl-CoA carboxylase beta; plus strand). Cytogenetic location: 12q24.11.
Variant type: single nucleotide variant.
Coding change: c.5986G>A on transcript NM_001093.4 (MANE Select); coding-DNA position 5986, G replaced by A.
Protein change: p.Val1996Met; replaces valine 1996 with methionine.
Molecular consequence: missense variant.
Genome position (GRCh38, 1-based): chr12:109,253,099, G>A. VCF-style: chr12-109253099-G-A. GRCh37 (hg19) VCF-style: chr12-109690904-G-A.
Other names: c.5986G>A, p.Val1996Met (NM_001412734.1, NM_001412735.1); c.5380G>A, p.Val1794Met (NM_001412736.1); c.5359G>A, p.Val1787Met (NM_001412737.1); c.5191G>A, p.Val1731Met (NM_001412738.1); short protein forms V1731M, V1787M, V1794M, V1996M.
Identifiers: ClinVar variation 3038899 (VCV003038899.2), dbSNP rs138582469, ClinGen allele CA6774923.